The following is an entry in ClinVar:

NM_015100.4(POGZ):c.3425G>A (p.Arg1142Gln)

Gene: POGZ (pogo transposable element derived with ZNF domain; minus strand). Cytogenetic location: 1q21.3.
Variant type: single nucleotide variant.
Coding change: c.3425G>A on transcript NM_015100.4 (MANE Select); coding-DNA position 3425, G replaced by A.
Protein change: p.Arg1142Gln; replaces arginine 1142 with glutamine.
Molecular consequence: missense variant.
Genome position (GRCh38, 1-based): chr1:151,405,610, C>T on the plus strand (G>A on the coding strand, the complement: POGZ is on the minus strand). VCF-style: chr1-151405610-C-T. GRCh37 (hg19) VCF-style: chr1-151378086-C-T.
Other names: c.3398G>A, p.Arg1133Gln (NM_001194937.2); c.3239G>A, p.Arg1080Gln (NM_001194938.2); c.3140G>A, p.Arg1047Gln (NM_145796.4); c.3266G>A, p.Arg1089Gln (NM_207171.2); short protein forms R1047Q, R1080Q, R1089Q, R1142Q, R1133Q.
Identifiers: ClinVar variation 1032657 (VCV001032657.1), dbSNP rs778651356, ClinGen allele CA1090959.

ClinVar aggregate classification (germline): Uncertain significance (1 of 4 stars; one submission).

Conditions:
Intellectual disability-microcephaly-strabismus-behavioral abnormalities syndrome. Also called: White-Sutton Syndrome. Identifiers: Orphanet 468678, MedGen C4225351, MONDO:0014606, OMIM 616364.

Allele frequency attached by ClinVar (database versions not stated): gnomAD 0.00001; TOPMed 0.00001; gnomAD exomes 0.00002; ExAC 0.00003.
gnomAD v4.1: 17 of 1,614,038 alleles (0.0011%); highest among the groups gnomAD compares: South Asian, 0.0022%; no homozygotes.

Submission:

Baylor Genetics
Classification: Uncertain significance for Intellectual disability-microcephaly-strabismus-behavioral abnormalities syndrome. Last evaluated: 2018-08-09. Review status: criteria provided, single submitter. Criteria: ACMG Guidelines, 2015. Collection method: clinical testing. Allele origin: paternal. Affected: yes.
Comment: This variant was determined to be of uncertain significance according to ACMG Guidelines, 2015 [PMID:25741868].